The following is an entry in ClinVar:

ClinVar aggregate classification (germline): Pathogenic (1 of 4 stars; one submission).

Conditions:
Mitochondrial DNA depletion syndrome 13. Also called: Mitochondrial DNA depletion syndrome 13 (encephalomyopathic type); FBXL4-Related Encephalomyopathic Mitochondrial DNA Depletion Syndrome. Identifiers: Orphanet 369897, MedGen C3809592, MONDO:0014198, OMIM 615471.

Allele frequency attached by ClinVar (database versions not stated): gnomAD exomes below 0.00001.

Submission:

Wong Mito Lab, Molecular and Human Genetics, Baylor College of Medicine
Classification: Pathogenic for Mitochondrial DNA depletion syndrome 13. Last evaluated: 2017-08-10. Review status: criteria provided, single submitter. Criteria: ACMG Guidelines, 2015. Collection method: clinical testing. Allele origin: germline. Affected: yes.
Comment: The NM_012160.4:c.1210C>T (NP_036292.2:p.Gln404Ter) [GRCH38: NC_000006.12:g.98899375G>A] variant in FBXL4 gene is interpretated to be a Pathogenic based on ACMG guidelines (PMID: 25741868). This variant meets one or more of the following evidence codes reported in the ACMG-guideline. PVS1:This variant is a predcted null variant in FBXL4 where loss of function is a known mechanism of disease. PM2:This variant is absent in key population databases. PP4:Patientâ€™s phenotype or family history is highly specific for FBXL4. Based on this evidence code ClinGen Pathogenicity Calculator (PMID:28081714) suggested that the variant is Pathogenic.

NM_001278716.2(FBXL4):c.1210C>T (p.Gln404Ter)

Gene: FBXL4 (F-box and leucine rich repeat protein 4; minus strand). Cytogenetic location: 6q16.1.
Variant type: single nucleotide variant.
Coding change: c.1210C>T on transcript NM_001278716.2 (MANE Select); coding-DNA position 1210, C replaced by T.
Protein change: p.Gln404Ter; replaces glutamine 404 with a stop codon.
Molecular consequence: nonsense. On other transcripts: non-coding transcript variant (2).
Genome position (GRCh38, 1-based): chr6:98,899,375, G>A on the plus strand (C>T on the coding strand, the complement: FBXL4 is on the minus strand). VCF-style: chr6-98899375-G-A. GRCh37 (hg19) VCF-style: chr6-99347251-G-A.
Other names: c.1210C>T, p.Gln404Ter (NM_012160.5); short protein forms Q404*.
Identifiers: ClinVar variation 437493 (VCV000437493.2), dbSNP rs1187832552, ClinGen allele CA16020685.